The following is an entry in ClinVar:

NM_182961.4(SYNE1):c.9469T>C (p.Phe3157Leu)

Gene: SYNE1 (spectrin repeat containing nuclear envelope protein 1; minus strand). Cytogenetic location: 6q25.2.
Variant type: single nucleotide variant.
Coding change: c.9469T>C on transcript NM_182961.4 (MANE Select); coding-DNA position 9469, T replaced by C.
Protein change: p.Phe3157Leu; replaces phenylalanine 3157 with leucine.
Molecular consequence: missense variant.
Genome position (GRCh38, 1-based): chr6:152,373,075, A>G on the plus strand (T>C on the coding strand, the complement: SYNE1 is on the minus strand). VCF-style: chr6-152373075-A-G. GRCh37 (hg19) VCF-style: chr6-152694210-A-G.
Other names: c.9490T>C, p.Phe3164Leu (NM_033071.5); short protein forms F3164L, F3157L.
Identifiers: ClinVar variation 2079467 (VCV002079467.4), dbSNP rs2490527254, ClinGen allele CA366139820.

ClinVar aggregate classification (germline): Uncertain significance (1 of 4 stars; one submission).

Conditions:
Emery-Dreifuss muscular dystrophy 4, autosomal dominant (EDMD4). Also called: EMERY-DREIFUSS MUSCULAR DYSTROPHY 4 WITH VARIABLE FEATURES. Identifiers: Orphanet 261, MedGen C2751807, MONDO:0013071, OMIM 612998.
Autosomal recessive ataxia, Beauce type. Also called: SYNE1 Deficiency; Spinocerebellar ataxia, autosomal recessive 8; ATAXIA, RECESSIVE, OF BEAUCE; SYNE1-Related Autosomal Recessive Cerebellar Ataxia. Identifiers: Orphanet 88644, MedGen C1853116, MONDO:0012549, OMIM 610743.

Allele frequency attached by ClinVar (database versions not stated): gnomAD exomes below 0.00001.
gnomAD v4.1: 2 of 1,614,076 alleles (0.00012%); highest among the groups gnomAD compares: African/African-American, 0.0013%; no homozygotes.

Submission:

Labcorp Genetics (formerly Invitae), Labcorp
Classification: Uncertain significance for Emery-Dreifuss muscular dystrophy 4, autosomal dominant; Autosomal recessive ataxia, Beauce type. Last evaluated: 2024-10-16. Review status: criteria provided, single submitter. Criteria: Invitae Variant Classification Sherloc (09022015). Collection method: clinical testing. Allele origin: germline.
Comment: This sequence change replaces phenylalanine, which is neutral and non-polar, with leucine, which is neutral and non-polar, at codon 3164 of the SYNE1 protein (p.Phe3164Leu). This variant is not present in population databases (gnomAD no frequency). This variant has not been reported in the literature in individuals affected with SYNE1-related conditions. ClinVar contains an entry for this variant (Variation ID: 2079467). An algorithm developed to predict the effect of missense changes on protein structure and function (PolyPhen-2) suggests that this variant is likely to be tolerated. In summary, the available evidence is currently insufficient to determine the role of this variant in disease. Therefore, it has been classified as a Variant of Uncertain Significance.